The following is an entry in ClinVar:

NM_006231.4(POLE):c.3566T>A (p.Leu1189Gln)

Gene: POLE (DNA polymerase epsilon, catalytic subunit; minus strand). Cytogenetic location: 12q24.33.
Variant type: single nucleotide variant.
Coding change: c.3566T>A on transcript NM_006231.4 (MANE Select); coding-DNA position 3566, T replaced by A.
Protein change: p.Leu1189Gln; replaces leucine 1189 with glutamine.
Molecular consequence: missense variant.
Genome position (GRCh38, 1-based): chr12:132,657,152, A>T on the plus strand (T>A on the coding strand, the complement: POLE is on the minus strand). VCF-style: chr12-132657152-A-T. GRCh37 (hg19) VCF-style: chr12-133233738-A-T.
Other names: short protein forms L1189Q.
Identifiers: ClinVar variation 1710077 (VCV001710077.2), dbSNP rs2541998273, ClinGen allele CA387388337.

ClinVar aggregate classification (germline): Uncertain significance (1 of 4 stars; one submission).

Conditions:
Colorectal cancer, susceptibility to, 12 (CRCS12). Also called: COLORECTAL CANCER, SUSCEPTIBILITY TO, ON CHROMOSOME 12q24. Identifiers: Orphanet 220460, MedGen C3554460, MONDO:0014038, OMIM 615083.

Submission:

MGZ Medical Genetics Center
Classification: Uncertain significance for Colorectal cancer, susceptibility to, 12. Last evaluated: 2021-12-23. Review status: criteria provided, single submitter. Criteria: ACMG Guidelines, 2015. Collection method: clinical testing. Allele origin: germline. Affected: yes. Observed: 1 variant allele.
Comment: ACMG criteria applied: PM2_SUP, BP4